The following is an entry in ClinVar:

NM_004168.4(SDHA):c.245_252del (p.Glu82fs)

Gene: SDHA (succinate dehydrogenase complex flavoprotein subunit A; plus strand). Cytogenetic location: 5p15.33.
Variant type: Deletion.
Coding change: c.245_252del on transcript NM_004168.4 (MANE Select); coding-DNA positions 245 to 252, 8 bases deleted (AGGCAGGG; older notation c.245_252delAGGCAGGG).
Protein change: p.Glu82fs; shifts the reading frame from glutamic acid 82.
Molecular consequence: frameshift variant.
Genome position (GRCh38, 1-based): chr5:224,454-224,461, AGGCAGGG deleted; deleting any 8 consecutive bases within chr5:224,453-224,461 gives the same sequence; the c. name uses the placement nearest the transcript's 3' end. VCF-style (leftmost placement, unchanged base first): chr5-224452-TGAGGCAGG-T. GRCh37 (hg19) VCF-style: chr5-224567-TGAGGCAGG-T.
Other names: c.245_252del, p.Glu82fs (NM_001294332.2, NM_001330758.2); short protein forms E82fs.
Identifiers: ClinVar variation 947608 (VCV000947608.10), dbSNP rs1734890180, ClinGen allele CA1139658719.
Genomic context (GRCh38, chr5:224,452, plus strand): 5'-ATTTGATGCAGTGGTGGTAGGCGCTGGAGGGGCAGGCTTGCGAGCTGCATTTGGCCTTTC[TGAGGCAGG>T]GTTTAATACAGCATGTGTTACCAAGCTGTTTCCTACCAGGTCACACACTGTTGCAGCACA-3'

ClinVar aggregate classification (germline): Pathogenic (1 of 4 stars; one submission).

Conditions:
Gastrointestinal stromal tumor. Also called: Gastrointestinal stromal tumor, somatic; Gastrointestinal stroma tumor. Identifiers: Orphanet 44890, MedGen C0238198, MeSH D046152, MONDO:0011719, OMIM 606764, HP:0100723.
Pheochromocytoma/paraganglioma syndrome 5. Also called: Paragangliomas 5; SDHA-Related Hereditary Paraganglioma-Pheochromocytoma Syndrome. Identifiers: Orphanet 29072, MedGen C3279992, MONDO:0013602, OMIM 614165.
Mitochondrial complex II deficiency, nuclear type 1. Also called: SUCCINATE CoQ REDUCTASE DEFICIENCY. Identifiers: Orphanet 3208, MedGen C5700310, MONDO:0100294, OMIM 252011.
Hereditary pheochromocytoma and paraganglioma. Also called: Hereditary pheochromocytoma-paraganglioma; Hereditary Paraganglioma-Pheochromocytoma Syndromes; Hereditary paragangliomas and pheochromocytomas. Identifiers: Orphanet 29072, MedGen C4274332, MONDO:0017366.

Submission:

Labcorp Genetics (formerly Invitae), Labcorp
Classification: Pathogenic for Pheochromocytoma/paraganglioma syndrome 5; Mitochondrial complex II deficiency, nuclear type 1. Last evaluated: 2023-03-27. Review status: criteria provided, single submitter. Criteria: Invitae Variant Classification Sherloc (09022015). Collection method: clinical testing. Allele origin: germline.
Comment: ClinVar contains an entry for this variant (Variation ID: 947608). For these reasons, this variant has been classified as Pathogenic. This variant has not been reported in the literature in individuals affected with SDHA-related conditions. This variant is not present in population databases (gnomAD no frequency). This sequence change creates a premature translational stop signal (p.Glu82Valfs*2) in the SDHA gene. It is expected to result in an absent or disrupted protein product. Loss-of-function variants in SDHA are known to be pathogenic (PMID: 22974104, 24781757).

Literature cited by the submitters: PubMed 22974104 (cited by Labcorp Genetics (formerly Invitae), Labcorp); PubMed 24781757 (cited by Labcorp Genetics (formerly Invitae), Labcorp).